The following is an entry in ClinVar:

ClinVar aggregate classification (germline): Pathogenic (1 of 4 stars; one submission).

Submission:

Quest Diagnostics Nichols Institute San Juan Capistrano
Classification: Pathogenic. Last evaluated: 2026-06-05. Review status: criteria provided, single submitter. Criteria: ACMG/ClinGen CNV Guidelines, 2019. Collection method: clinical testing. Allele origin: unknown.
Comment: This copy number loss involves at least seven protein-coding genes, including ZIC3 (OMIM 300265), FGF13 (OMIM 300070), and F9 (OMIM 300746). Copy number loss of F9 is associated with X-linked hemophilia B (OMIM 306900, CCID:007108; Konkle 2025), and copy number loss of ZIC3 is associated with X-linked heterotaxy 1 and multiple types of congenital heart defects 1 (OMIM 306955, CCID:008136). Hemizygous deletions contained within or overlapping the current interval have been reported in males with variable phenotypes (Chung 2011, Jourdy 2016, Kim 2012, Nakamura 2016, Radic 2023). There are no similar copy number losses of this region in the general populations of the Database of Genomic Variants. Thus, based on current medical literature and gene content, this copy number variant (CNV) is classified as pathogenic; however, presentation in females is likely dependent upon X-inactivation status.

Literature cited by the submitters: PubMed 21465648; PubMed 27477789; PubMed 21993689; PubMed 26686734; PubMed 36930806; PubMed 37162139.

GRCh37/hg19 Xq26.3-27.1(chrX:136399075-139504489)x1

Genes: FGF13 (fibroblast growth factor 13; minus strand), MCF2 (MCF.2 cell line derived transforming sequence; minus strand), ATP11C (ATPase phospholipid transporting 11C (ATP11C blood group); minus strand), CXorf66 (chromosome X open reading frame 66; minus strand), F9 (coagulation factor IX; plus strand) and 1 more. Cytogenetic location: Xq26.3-27.1.
Variant type: copy number loss.
Change: copy number 1 of chrX:136,399,075-139,504,489 (3.11 Mb, GRCh37 coordinates, 1-based), cytogenetic band Xq26.3-27.1.
Identifiers: ClinVar variation 564905 (VCV000564905.2).